The following is an entry in ClinVar:

ClinVar aggregate classification (germline): Uncertain significance (1 of 4 stars; one submission).

Conditions:
Hyperammonemia, type III (NAGSD). Also called: Hyperammonemia due to N-acetylglutamate synthase deficiency. Identifiers: Orphanet 927, MedGen C0268543, MONDO:0009377, OMIM 237310.

Allele frequency attached by ClinVar (database versions not stated): gnomAD exomes 0.00001; ExAC 0.00007; TOPMed 0.00008; gnomAD 0.00011; ESP Exome Variant Server 0.00031.

Submission:

Labcorp Genetics (formerly Invitae), Labcorp
Classification: Uncertain significance for Hyperammonemia, type III. Last evaluated: 2025-02-10. Review status: criteria provided, single submitter. Criteria: Invitae Variant Classification Sherloc (09022015). Collection method: clinical testing. Allele origin: germline.
Comment: This sequence change replaces asparagine, which is neutral and polar, with serine, which is neutral and polar, at codon 294 of the NAGS protein (p.Asn294Ser). This variant is present in population databases (rs370138738, gnomAD 0.05%). This variant has not been reported in the literature in individuals affected with NAGS-related conditions. ClinVar contains an entry for this variant (Variation ID: 2144661). Invitae Evidence Modeling of protein sequence and biophysical properties (such as structural, functional, and spatial information, amino acid conservation, physicochemical variation, residue mobility, and thermodynamic stability) indicates that this missense variant is not expected to disrupt NAGS protein function with a negative predictive value of 80%. In summary, the available evidence is currently insufficient to determine the role of this variant in disease. Therefore, it has been classified as a Variant of Uncertain Significance.

NM_153006.3(NAGS):c.881A>G (p.Asn294Ser)

Gene: NAGS (N-acetylglutamate synthase; plus strand). Cytogenetic location: 17q21.31.
Variant type: single nucleotide variant.
Coding change: c.881A>G on transcript NM_153006.3 (MANE Select); coding-DNA position 881, A replaced by G.
Protein change: p.Asn294Ser; replaces asparagine 294 with serine.
Molecular consequence: missense variant.
Genome position (GRCh38, 1-based): chr17:44,006,203, A>G. VCF-style: chr17-44006203-A-G. GRCh37 (hg19) VCF-style: chr17-42083571-A-G.
Other names: short protein forms N294S.
Identifiers: ClinVar variation 2144661 (VCV002144661.2), dbSNP rs370138738, ClinGen allele CA8595244.